The following is an entry in ClinVar:

NM_004423.4(DVL3):c.1275del (p.Leu426fs)

Gene: DVL3 (dishevelled segment polarity protein 3; plus strand). Cytogenetic location: 3q27.1.
Variant type: Deletion.
Coding change: c.1275del on transcript NM_004423.4 (MANE Select); coding-DNA position 1275, one base deleted (G; older notation c.1275delG).
Protein change: p.Leu426fs; shifts the reading frame from leucine 426.
Molecular consequence: frameshift variant.
Genome position (GRCh38, 1-based): chr3:184,167,656, G deleted; the last of 3 consecutive G bases (chr3:184,167,654-184,167,656); deleting any one gives the same sequence. VCF-style (leftmost placement, unchanged base first): chr3-184167653-AG-A. GRCh37 (hg19) VCF-style: chr3-183885441-AG-A.
Other names: short protein forms L426fs.
Identifiers: ClinVar variation 3608360 (VCV003608360.2).

ClinVar aggregate classification (germline): Uncertain significance (1 of 4 stars; one submission).

Submission:

Labcorp Genetics (formerly Invitae), Labcorp
Classification: Uncertain significance. Last evaluated: 2025-01-01. Review status: criteria provided, single submitter. Criteria: Invitae Variant Classification Sherloc (09022015). Collection method: clinical testing. Allele origin: germline.
Comment: This sequence change creates a premature translational stop signal (p.Leu426Trpfs*47) in the DVL3 gene. It is expected to result in an absent or disrupted protein product. However, the current clinical and genetic evidence is not sufficient to establish whether loss-of-function variants in DVL3 cause disease. This variant is not present in population databases (gnomAD no frequency). This variant has not been reported in the literature in individuals affected with DVL3-related conditions. In summary, the available evidence is currently insufficient to determine the role of this variant in disease. Therefore, it has been classified as a Variant of Uncertain Significance.